The following is an entry in ClinVar:

ClinVar aggregate classification (germline): Benign/Likely benign. Review status: criteria provided, multiple submitters, no conflicts (2 of 4 stars). 4 submissions from 4 submitters: Benign (2); Likely benign (1). 1 of the submissions does not count toward it. Last evaluated 2025-08-08.

Conditions:
KCNC3-related disorder. Also called: KCNC3-related condition.

Allele frequency attached by ClinVar (database versions not stated): gnomAD exomes 0.00009 and 0.00026; ExAC 0.00030; 1000 Genomes Project 30x 0.00094; 1000 Genomes Project 0.00100; TOPMed 0.00104; ESP Exome Variant Server 0.00123.

Submissions (4):

Labcorp Genetics (formerly Invitae), Labcorp
Classification: Benign. Last evaluated: 2025-08-08. Review status: criteria provided, single submitter. Criteria: Invitae Variant Classification Sherloc (09022015). Collection method: clinical testing. Allele origin: germline.

Athena Diagnostics
Classification: Benign. Last evaluated: 2025-06-10. Review status: criteria provided, single submitter. Criteria: Athena Diagnostics Criteria. Collection method: clinical testing. Allele origin: unknown.
Comment: The frequency of this variant in the general population is higher than would generally be expected for pathogenic variants in this gene.

Blueprint Genetics
Classification: Likely benign. Last evaluated: 2023-10-05. Review status: criteria provided, single submitter. Criteria: ACMG Guidelines, 2015. Collection method: clinical testing. Allele origin: germline.

PreventionGenetics, part of Exact Sciences
Classification: Likely benign for KCNC3-related condition. Last evaluated: 2019-06-27. Review status: no assertion criteria provided. Collection method: clinical testing. Allele origin: germline. Not counted in ClinVar's aggregate classification.
Comment: This variant is classified as likely benign based on ACMG/AMP sequence variant interpretation guidelines (Richards et al. 2015 PMID: 25741868, with internal and published modifications).

NM_004977.3(KCNC3):c.1080C>T (p.Thr360=)

Gene: KCNC3 (potassium voltage-gated channel subfamily C member 3; minus strand). Cytogenetic location: 19q13.33.
Variant type: single nucleotide variant.
Coding change: c.1080C>T on transcript NM_004977.3 (MANE Select); coding-DNA position 1080, C replaced by T.
Protein change: p.Thr360=; no amino-acid change (threonine 360 retained).
Molecular consequence: synonymous variant.
Genome position (GRCh38, 1-based): chr19:50,323,873, G>A on the plus strand (C>T on the coding strand, the complement: KCNC3 is on the minus strand). VCF-style: chr19-50323873-G-A. GRCh37 (hg19) VCF-style: chr19-50827130-G-A.
Other names: c.852C>T, p.Thr284= (NM_001372305.1).
Identifiers: ClinVar variation 995137 (VCV000995137.13), dbSNP rs142937043, ClinGen allele CA9594293.